The following is an entry in ClinVar:

ClinVar aggregate classification (germline): Likely pathogenic (1 of 4 stars; one submission).

Submission:

Mayo Clinic Laboratories, Mayo Clinic
Classification: Likely pathogenic. Last evaluated: 2024-05-24. Review status: criteria provided, single submitter. Criteria: ACMG Guidelines, 2015. Collection method: clinical testing. Allele origin: germline. Observed: 1 variant allele.
Comment: PM2, PVS1

NM_001009944.3(PKD1):c.12746_12803del (p.Arg4249fs)

Gene: PKD1 (polycystin 1, transient receptor potential channel interacting; minus strand). Cytogenetic location: 16p13.3.
Variant type: Deletion.
Coding change: c.12746_12803del on transcript NM_001009944.3 (MANE Select); coding-DNA positions 12746 to 12803, 58 bases deleted.
Protein change: p.Arg4249fs; shifts the reading frame from arginine 4249.
Molecular consequence: frameshift variant.
Genome position (GRCh38, 1-based): chr16:2,089,836-2,089,893, 58 bases deleted. GRCh37 (hg19): chr16:2,139,841-2,139,898.
Other names: p.Arg4249Glnfs*90; c.12743_12800del, p.Arg4248fs (NM_000296.4); short protein forms R4248fs, R4249fs.
Identifiers: ClinVar variation 3381133 (VCV003381133.1).